The following is an entry in ClinVar:

NM_016955.4(SEPSECS):c.97del (p.Arg33fs)

Genes: SEPSECS (Sep (O-phosphoserine) tRNA:Sec (selenocysteine) tRNA synthase; minus strand), LOC129992330 (ATAC-STARR-seq lymphoblastoid silent region 15319; plus strand). Cytogenetic location: 4p15.2.
Variant type: Deletion.
Coding change: c.97del on transcript NM_016955.4 (MANE Select); coding-DNA position 97, one base deleted (C; older notation c.97delC).
Protein change: p.Arg33fs; shifts the reading frame from arginine 33.
Molecular consequence: frameshift variant.
Genome position (GRCh38, 1-based): chr4:25,160,273, G deleted on the plus strand (C on the coding strand, the reverse complement: SEPSECS is on the minus strand). VCF-style (leftmost placement, unchanged base first): chr4-25160272-CG-C. GRCh37 (hg19) VCF-style: chr4-25161894-CG-C.
Other names: c.97del, p.Arg33fs (NM_001410714.1); short protein forms R33fs.
Identifiers: ClinVar variation 4061266 (VCV004061266.2).

ClinVar aggregate classification (germline): Likely pathogenic (1 of 4 stars; one submission).

Conditions:
Pontocerebellar hypoplasia type 2D (PCH2D). Also called: Progressive cerebello-cerebral atrophy. Identifiers: Orphanet 247198, Orphanet 2524, MedGen C3151140, MONDO:0013438, OMIM 613811.

Submission:

Natera, Inc.
Classification: Likely pathogenic for Pontocerebellar hypoplasia type 2d. Last evaluated: 2025-01-23. Review status: criteria provided, single submitter. Criteria: Natera Variant Classification Schema (03/2026). Collection method: clinical testing. Allele origin: germline.
Comment: The c.97del variant in SEPSECS is a frameshift variant predicted to shift the reading frame beginning at codon 33 and leads to a stop codon 35 codons downstream. This variant is expected to result in nonsense mediated decay, truncation, or a dysfunctional protein product. This variant is rare in the general population with a frequency below the threshold expected for the associated phenotype(s). Given the available evidence, this variant is classified as Likely Pathogenic.